The following is an entry in ClinVar:

NM_001286.5(CLCN6):c.920A>C (p.Gln307Pro)

Gene: CLCN6 (Cl-/H+ antiporter 6; plus strand). Cytogenetic location: 1p36.22.
Variant type: single nucleotide variant.
Coding change: c.920A>C on transcript NM_001286.5 (MANE Select); coding-DNA position 920, A replaced by C.
Protein change: p.Gln307Pro; replaces glutamine 307 with proline.
Molecular consequence: missense variant. On other transcripts: non-coding transcript variant (1).
Genome position (GRCh38, 1-based): chr1:11,828,185, A>C. VCF-style: chr1-11828185-A-C. GRCh37 (hg19) VCF-style: chr1-11888242-A-C.
Other names: c.854A>C, p.Gln285Pro (NM_001256959.2); short protein forms Q307P, Q285P.
Identifiers: ClinVar variation 2692972 (VCV002692972.3), dbSNP rs760769936, ClinGen allele CA338429820.

ClinVar aggregate classification (germline): Uncertain significance (1 of 4 stars; one submission).

Submission:

Labcorp Genetics (formerly Invitae), Labcorp
Classification: Uncertain significance. Last evaluated: 2025-10-10. Review status: criteria provided, single submitter. Criteria: Invitae Variant Classification Sherloc (09022015). Collection method: clinical testing. Allele origin: germline.
Comment: This sequence change replaces glutamine, which is neutral and polar, with proline, which is neutral and non-polar, at codon 307 of the CLCN6 protein (p.Gln307Pro). This variant is not present in population databases (gnomAD no frequency). This variant has not been reported in the literature in individuals affected with CLCN6-related conditions. ClinVar contains an entry for this variant (Variation ID: 2692972). An algorithm developed to predict the effect of missense changes on protein structure and function (PolyPhen-2) suggests that this variant is likely to be tolerated. In summary, the available evidence is currently insufficient to determine the role of this variant in disease. Therefore, it has been classified as a Variant of Uncertain Significance.